The following is an entry in ClinVar:

ClinVar aggregate classification (germline): Uncertain significance (1 of 4 stars; one submission).

gnomAD v4.1: 1 of 1,598,452 alleles (0.000063%); highest among the groups gnomAD compares: Non-Finnish European, 0.000085%; no homozygotes.

Submission:

Labcorp Genetics (formerly Invitae), Labcorp
Classification: Uncertain significance. Last evaluated: 2020-07-01. Review status: criteria provided, single submitter. Criteria: Invitae Variant Classification Sherloc (09022015). Collection method: clinical testing. Allele origin: germline.
Comment: In summary, the available evidence is currently insufficient to determine the role of this variant in disease. Therefore, it has been classified as a Variant of Uncertain Significance. Algorithms developed to predict the effect of missense changes on protein structure and function are either unavailable or do not agree on the potential impact of this missense change (SIFT: "Tolerated"; PolyPhen-2: "Possibly Damaging"; Align-GVGD: "Class C0"). This variant has not been reported in the literature in individuals with SZT2-related conditions. This variant is not present in population databases (ExAC no frequency). This sequence change replaces arginine with leucine at codon 438 of the SZT2 protein (p.Arg438Leu). The arginine residue is weakly conserved and there is a moderate physicochemical difference between arginine and leucine.

NM_001365999.1(SZT2):c.1313G>T (p.Arg438Leu)

Gene: SZT2 (SZT2 subunit of KICSTOR complex; plus strand). Cytogenetic location: 1p34.2.
Variant type: single nucleotide variant.
Coding change: c.1313G>T on transcript NM_001365999.1 (MANE Select); coding-DNA position 1313, G replaced by T.
Protein change: p.Arg438Leu; replaces arginine 438 with leucine.
Molecular consequence: missense variant.
Genome position (GRCh38, 1-based): chr1:43,420,800, G>T. VCF-style: chr1-43420800-G-T. GRCh37 (hg19) VCF-style: chr1-43886471-G-T.
Other names: c.1313G>T, p.Arg438Leu (NM_015284.4); short protein forms R438L.
Identifiers: ClinVar variation 1019181 (VCV001019181.6), dbSNP rs12034650, ClinGen allele CA340007274.